The following is an entry in ClinVar:

ClinVar aggregate classification (germline): Uncertain significance (1 of 4 stars; one submission).

Conditions:
Wilms tumor 1 (WT1). Also called: Wilms tumor, somatic. Identifiers: Orphanet 654, MedGen CN033288, MONDO:0008679, OMIM 194070.

Submission:

Color Diagnostics, LLC DBA Color Health
Classification: Uncertain significance for Wilms tumor 1. Last evaluated: 2025-07-28. Review status: criteria provided, single submitter. Criteria: ACMG Guidelines, 2015. Collection method: clinical testing. Allele origin: germline.
Comment: This missense variant replaces glycine with alanine at codon 338 of the WT1 protein. Computational prediction suggests that this variant may not impact protein structure and function. To our knowledge, functional studies have not been reported for this variant. This variant has not been reported in individuals affected with WT1-related disorders in the literature. This variant has not been identified in the general population by the Genome Aggregation Database (gnomAD). The available evidence is insufficient to determine the role of this variant in disease conclusively. Therefore, this variant is classified as a Variant of Uncertain Significance.

NM_024426.6(WT1):c.1028G>C (p.Gly343Ala)

Gene: WT1 (WT1 transcription factor; minus strand). Cytogenetic location: 11p13.
Variant type: single nucleotide variant.
Coding change: c.1028G>C on transcript NM_024426.6 (MANE Select); coding-DNA position 1028, G replaced by C.
Protein change: p.Gly343Ala; replaces glycine 343 with alanine.
Molecular consequence: missense variant. On other transcripts: 5 prime UTR variant (1), non-coding transcript variant (2).
Genome position (GRCh38, 1-based): chr11:32,400,033, C>G on the plus strand (G>C on the coding strand, the complement: WT1 is on the minus strand). VCF-style: chr11-32400033-C-G. GRCh37 (hg19) VCF-style: chr11-32421579-C-G.
Other names: c.977G>C, p.Gly326Ala (NM_000378.6, NM_001407045.1, NM_001407048.1 and 1 more transcripts); c.377G>C, p.Gly126Ala (NM_001198551.2); c.326G>C, p.Gly109Ala (NM_001198552.2); c.-161G>C (NM_001367854.1); c.1022G>C, p.Gly341Ala (NM_001407044.1); c.1028G>C, p.Gly343Ala (NM_001407046.1, NM_024424.5); c.905G>C, p.Gly302Ala (NM_001407047.1); c.854G>C, p.Gly285Ala (NM_001407050.1); and 3 more; short protein forms G109A, G126A, G253A, G270A, G285A, G302A, G326A, G338A.
Identifiers: ClinVar variation 4759055 (VCV004759055.1).